The following is an entry in ClinVar:

NM_001261826.3(AP3D1):c.2661C>T (p.Pro887=)

Gene: AP3D1 (adaptor related protein complex 3 subunit delta 1; minus strand). Cytogenetic location: 19p13.3.
Variant type: single nucleotide variant.
Coding change: c.2661C>T on transcript NM_001261826.3 (MANE Select); coding-DNA position 2661, C replaced by T.
Protein change: p.Pro887=; no amino-acid change (proline 887 retained).
Molecular consequence: synonymous variant. On other transcripts: intron variant (1).
Genome position (GRCh38, 1-based): chr19:2,113,354, G>A on the plus strand (C>T on the coding strand, the complement: AP3D1 is on the minus strand). VCF-style: chr19-2113354-G-A. GRCh37 (hg19) VCF-style: chr19-2113353-G-A.
Other names: c.2661C>T, p.Pro887= (NM_001374799.1); c.2601+771C>T (NM_003938.8); c.2661C>T (NM_001261826.1).
Identifiers: ClinVar variation 1554068 (VCV001554068.10), dbSNP rs771185707, ClinGen allele CA9058784.
Genomic context (GRCh38, chr19:2,113,354, plus strand): 5'-GCAGACACCGAGGCTGGCACTGGCCAGCTGCCAGTCTCTTACCGTGGATGGAACGGGGGC[G>A]GGGGCGGGGGCGGGGGCAGGCGGTGGGGTGGTAGACAGCCAGAAGTCCAGGTCCTCAGCC-3'
Protein context (NP_001248755.1, residues 877-897): TTPPPAPAPA[Pro887=]APVPSTGELS

ClinVar aggregate classification (germline): Likely benign. Review status: criteria provided, single submitter (1 of 4 stars). 2 submissions from 2 submitters: Likely benign (1). 1 of the submissions does not count toward it. Last evaluated 2025-12-01.

Conditions:
AP3D1-related disorder. Also called: AP3D1-related condition.

Allele frequency attached by ClinVar (database versions not stated): gnomAD exomes 0.00003 and 0.00005; gnomAD 0.00004; ExAC 0.00035.
gnomAD v4.1: 45 of 1,448,184 alleles (0.0031%); highest among the groups gnomAD compares: Admixed American, 0.029%; no homozygotes.

Submissions (2):

Labcorp Genetics (formerly Invitae), Labcorp
Classification: Likely benign. Last evaluated: 2025-12-01. Review status: criteria provided, single submitter. Criteria: Invitae Variant Classification Sherloc (09022015). Collection method: clinical testing. Allele origin: germline.

PreventionGenetics, part of Exact Sciences
Classification: Likely benign for AP3D1-related condition. Last evaluated: 2019-08-06. Review status: no assertion criteria provided. Collection method: clinical testing. Allele origin: germline. Not counted in ClinVar's aggregate classification.
Comment: This variant is classified as likely benign based on ACMG/AMP sequence variant interpretation guidelines (Richards et al. 2015 PMID: 25741868, with internal and published modifications).